The following is an entry in ClinVar:

NM_015122.3(FCHO1):c.337-63G>A

Gene: FCHO1 (FCH and mu domain containing endocytic adaptor 1; plus strand). Cytogenetic location: 19p13.11.
Variant type: single nucleotide variant.
Coding change: c.337-63G>A on transcript NM_015122.3 (MANE Select); 63 bases into the intron before coding-DNA position 337, G replaced by A.
Molecular consequence: intron variant.
Genome position (GRCh38, 1-based): chr19:17,770,362, G>A. VCF-style: chr19-17770362-G-A. GRCh37 (hg19) VCF-style: chr19-17881171-G-A.
Other names: c.337-63G>A (NM_001384370.1, NM_001384396.1, NM_001384404.1 and 26 more transcripts); c.262-63G>A (NM_001384390.1); c.187-63G>A (NM_001384406.1, NM_001384407.1, NM_001384384.1 and 3 more transcripts); c.337-102G>A (NM_001384388.1, NM_001384405.1, NM_001384389.1).
Identifiers: ClinVar variation 2687987 (VCV002687987.2), dbSNP rs12327667, ClinGen allele CA14720274.

ClinVar aggregate classification (germline): Benign (1 of 4 stars; one submission).

Allele frequency attached by ClinVar (database versions not stated): gnomAD exomes 0.42949; gnomAD 0.47066; TOPMed 0.49006; 1000 Genomes Project 30x 0.55075; 1000 Genomes Project 0.55132.
gnomAD v4.1: 648,156 of 1,491,118 alleles (43%); highest among the groups gnomAD compares: East Asian, 72%; 145,652 homozygotes.

Submission:

Unidad de Genómica Garrahan, Hospital de Pediatría Garrahan
Classification: Benign. Last evaluated: 2024-01-24. Review status: criteria provided, single submitter. Criteria: ACMG Guidelines, 2015. Collection method: clinical testing. Allele origin: germline. Affected: no. Observed: 72 variant alleles.
Comment: This variant is classified as Benign based on local population frequency. This variant was detected in 76% of patients studied by a panel of primary immunodeficiencies. Number of patients: 72. Only high quality variants are reported.